The following is an entry in ClinVar:

NM_001105206.3(LAMA4):c.2420C>T (p.Pro807Leu)

Gene: LAMA4 (laminin subunit alpha 4; minus strand). Cytogenetic location: 6q21.
Variant type: single nucleotide variant.
Coding change: c.2420C>T on transcript NM_001105206.3 (MANE Select); coding-DNA position 2420, C replaced by T.
Protein change: p.Pro807Leu; replaces proline 807 with leucine.
Molecular consequence: missense variant.
Genome position (GRCh38, 1-based): chr6:112,144,867, G>A on the plus strand (C>T on the coding strand, the complement: LAMA4 is on the minus strand). VCF-style: chr6-112144867-G-A. GRCh37 (hg19) VCF-style: chr6-112466069-G-A.
Other names: c.2399C>T, p.Pro800Leu (NM_001105207.3, NM_002290.5); short protein forms P807L, P800L.
Identifiers: ClinVar variation 3536967 (VCV003536967.1).

ClinVar aggregate classification (germline): Uncertain significance (1 of 4 stars; one submission).

Conditions:
Cardiovascular phenotype. Identifiers: MedGen CN230736.

gnomAD v4.1: 7 of 1,614,048 alleles (0.00043%); highest among the groups gnomAD compares: Non-Finnish European, 0.00059%; no homozygotes.

Submission:

Ambry Genetics
Classification: Uncertain significance for Cardiovascular phenotype. Last evaluated: 2024-11-13. Review status: criteria provided, single submitter. Criteria: Ambry Variant Classification Scheme 2023. Collection method: clinical testing. Allele origin: germline.
Comment: The p.P800L variant (also known as c.2399C>T), located in coding exon 18 of the LAMA4 gene, results from a C to T substitution at nucleotide position 2399. The proline at codon 800 is replaced by leucine, an amino acid with similar properties. This amino acid position is highly conserved in available vertebrate species. In addition, the in silico prediction for this alteration is inconclusive. The evidence for this gene-disease relationship is limited; therefore, the clinical significance of this alteration is unclear.